The following is an entry in ClinVar:

NM_198576.4(AGRN):c.5556C>G (p.Cys1852Trp)

Gene: AGRN (agrin; plus strand). Cytogenetic location: 1p36.33.
Variant type: single nucleotide variant.
Coding change: c.5556C>G on transcript NM_198576.4 (MANE Select); coding-DNA position 5556, C replaced by G.
Protein change: p.Cys1852Trp; replaces cysteine 1852 with tryptophan.
Molecular consequence: missense variant.
Genome position (GRCh38, 1-based): chr1:1,051,638, C>G. VCF-style: chr1-1051638-C-G. GRCh37 (hg19) VCF-style: chr1-987018-C-G.
Other names: c.5568C>G, p.Cys1856Trp (NM_001305275.2); c.5253C>G, p.Cys1751Trp (NM_001364727.2); short protein forms C1852W, C1856W, C1751W.
Identifiers: ClinVar variation 856743 (VCV000856743.7), dbSNP rs538293035, ClinGen allele CA337782053.

ClinVar aggregate classification (germline): Uncertain significance (1 of 4 stars; one submission).

Conditions:
Congenital myasthenic syndrome 8. Also called: MYASTHENIC SYNDROME, CONGENITAL, DUE TO AGRIN DEFICIENCY; Myasthenic syndrome, congenital, 8, with pre- and postsynaptic defects. Identifiers: Orphanet 590, MedGen C3808739, MONDO:0014052, OMIM 615120.

Submission:

Labcorp Genetics (formerly Invitae), Labcorp
Classification: Uncertain significance for Congenital myasthenic syndrome 8. Last evaluated: 2021-09-01. Review status: criteria provided, single submitter. Criteria: Invitae Variant Classification Sherloc (09022015). Collection method: clinical testing. Allele origin: germline.
Comment: This sequence change replaces cysteine with tryptophan at codon 1852 of the AGRN protein (p.Cys1852Trp). The cysteine residue is highly conserved and there is a large physicochemical difference between cysteine and tryptophan. This variant is not present in population databases (ExAC no frequency). This variant has not been reported in the literature in individuals affected with AGRN-related conditions. Algorithms developed to predict the effect of missense changes on protein structure and function are either unavailable or do not agree on the potential impact of this missense change (SIFT: "Deleterious"; PolyPhen-2: "Probably Damaging"; Align-GVGD: "Class C15"). In summary, the available evidence is currently insufficient to determine the role of this variant in disease. Therefore, it has been classified as a Variant of Uncertain Significance.